The following is an entry in ClinVar:

ClinVar aggregate classification (germline): Likely benign. Review status: criteria provided, multiple submitters, no conflicts (2 of 4 stars). 3 submissions from 3 submitters: Likely benign (3). Last evaluated 2025-10-10.

Conditions:
Hypertrophic cardiomyopathy. Also called: HYPERTROPHIC MYOCARDIOPATHY. Identifiers: Orphanet 217569, MedGen C0007194, MeSH D002312, MONDO:0005045, HP:0001639.

Allele frequency attached by ClinVar (database versions not stated): ExAC 0.00001; gnomAD 0.00001; gnomAD exomes 0.00001 and 0.00002; TOPMed 0.00002.
gnomAD v4.1: 31 of 1,613,572 alleles (0.0019%); highest among the groups gnomAD compares: Non-Finnish European, 0.0024%; no homozygotes.

Submissions (3):

Labcorp Genetics (formerly Invitae), Labcorp
Classification: Likely benign for Hypertrophic cardiomyopathy. Last evaluated: 2025-10-10. Review status: criteria provided, single submitter. Criteria: Invitae Variant Classification Sherloc (09022015). Collection method: clinical testing. Allele origin: germline.

Blueprint Genetics
Classification: Likely benign. Last evaluated: 2021-04-29. Review status: criteria provided, single submitter. Criteria: ACMG Guidelines, 2015. Collection method: clinical testing. Allele origin: germline.

GeneDx
Classification: Likely benign. Last evaluated: 2015-10-21. Review status: criteria provided, single submitter. Criteria: GeneDx Variant Classification (06012015). Collection method: clinical testing. Allele origin: germline. Affected: yes.
Comment: This variant is considered likely benign or benign based on one or more of the following criteria: it is a conservative change, it occurs at a poorly conserved position in the protein, it is predicted to be benign by multiple in silico algorithms, and/or has population frequency not consistent with disease.

NM_001018005.2(TPM1):c.773-18T>C

Gene: TPM1 (tropomyosin 1; plus strand). Cytogenetic location: 15q22.2.
Variant type: single nucleotide variant.
Coding change: c.773-18T>C on transcript NM_001018005.2 (MANE Select); 18 bases into the intron before coding-DNA position 773, T replaced by C.
Molecular consequence: intron variant.
Genome position (GRCh38, 1-based): chr15:63,064,046, T>C. VCF-style: chr15-63064046-T-C. GRCh37 (hg19) VCF-style: chr15-63356245-T-C.
Other names: c.898+1401T>C (NM_001365778.1); c.772+1401T>C (NM_001018020.2, NM_001018007.2, NM_001018006.2 and 3 more transcripts); c.773-18T>C (NM_001301244.2, NM_000366.6, NM_001365779.1); c.664+1401T>C (NM_001330351.2, NM_001330344.2, NM_001018008.2 and 2 more transcripts); c.665-18T>C (NM_001365781.2, NM_001365782.1, NM_001330346.2).
Identifiers: ClinVar variation 188705 (VCV000188705.10), dbSNP rs759150466, ClinGen allele CA019356.